The following is an entry in ClinVar:

ClinVar aggregate classification (germline): Conflicting classifications of pathogenicity. Review status: criteria provided, conflicting classifications (1 of 4 stars). 2 submissions from 2 submitters: Uncertain significance (1); Likely benign (1). Last evaluated 2026-03-23.

Conditions:
MC4R-related disorder. Also called: MC4R-related condition.

gnomAD v4.1: 9 of 1,613,912 alleles (0.00056%); highest among the groups gnomAD compares: Non-Finnish European, 0.00076%; no homozygotes.

Submissions (2):

PreventionGenetics, part of Exact Sciences
Classification: Likely benign for MC4R-related condition. Last evaluated: 2026-03-23. Review status: criteria provided, single submitter. Criteria: ACMG Guidelines, 2015. Collection method: clinical testing. Allele origin: germline.
Comment: This variant is classified as likely benign based on ACMG/AMP sequence variant interpretation guidelines (Richards et al. 2015 PMID: 25741868, with internal and published modifications).

Labcorp Genetics (formerly Invitae), Labcorp
Classification: Uncertain significance. Last evaluated: 2025-04-10. Review status: criteria provided, single submitter. Criteria: Invitae Variant Classification Sherloc (09022015). Collection method: clinical testing. Allele origin: germline.
Comment: This sequence change affects codon 127 of the MC4R mRNA. It is a 'silent' change, meaning that it does not change the encoded amino acid sequence of the MC4R protein. This variant is present in population databases (no rsID available, gnomAD 0.007%). This variant has not been reported in the literature in individuals affected with MC4R-related conditions. In summary, the available evidence is currently insufficient to determine the role of this variant in disease. Therefore, it has been classified as a Variant of Uncertain Significance.

NM_005912.3(MC4R):c.381G>C (p.Ser127=)

Gene: MC4R (melanocortin 4 receptor; minus strand). Cytogenetic location: 18q21.32.
Variant type: single nucleotide variant.
Coding change: c.381G>C on transcript NM_005912.3 (MANE Select); coding-DNA position 381, G replaced by C.
Protein change: p.Ser127=; no amino-acid change (serine 127 retained).
Molecular consequence: synonymous variant.
Genome position (GRCh38, 1-based): chr18:60,371,969, C>G on the plus strand (G>C on the coding strand, the complement: MC4R is on the minus strand). VCF-style: chr18-60371969-C-G. GRCh37 (hg19) VCF-style: chr18-58039202-C-G.
Other names: c.381G>C (NM_005912.2).
Identifiers: ClinVar variation 4708338 (VCV004708338.2).